The following is an entry in ClinVar:

NM_033124.5(DRC2):c.1176C>A (p.Thr392=)

Gene: DRC2 (dynein regulatory complex subunit 2; plus strand). Cytogenetic location: 12q13.12.
Variant type: single nucleotide variant.
Coding change: c.1176C>A on transcript NM_033124.5 (MANE Select); coding-DNA position 1176, C replaced by A.
Protein change: p.Thr392=; no amino-acid change (threonine 392 retained).
Molecular consequence: synonymous variant.
Genome position (GRCh38, 1-based): chr12:48,921,079, C>A. VCF-style: chr12-48921079-C-A. GRCh37 (hg19) VCF-style: chr12-49314862-C-A.
Other names: c.747C>A, p.Thr249= (NM_001286957.2).
Identifiers: ClinVar variation 402503 (VCV000402503.21), dbSNP rs10875894, ClinGen allele CA6543447.

ClinVar aggregate classification (germline): Benign/Likely benign. Review status: criteria provided, multiple submitters, no conflicts (2 of 4 stars). 6 submissions from 6 submitters: Benign (5); Likely benign (1). Last evaluated 2026-02-04.

Conditions:
Primary ciliary dyskinesia 27. Also called: CILIARY DYSKINESIA, PRIMARY, 27, WITHOUT SITUS INVERSUS. Identifiers: Orphanet 244, MedGen C3809701, MONDO:0014215, OMIM 615504.

Allele frequency attached by ClinVar (database versions not stated): 1000 Genomes Project 30x 0.30512; ESP Exome Variant Server 0.30532; 1000 Genomes Project 0.30831; gnomAD 0.32390 and 0.32495; TOPMed 0.33665; ExAC 0.36971; gnomAD exomes 0.38153.
gnomAD v4.1: 596,111 of 1,609,902 alleles (37%); highest among the groups gnomAD compares: Admixed American, 52%; 114,947 homozygotes.

Submissions (6):

Labcorp Genetics (formerly Invitae), Labcorp
Classification: Benign for Primary ciliary dyskinesia 27. Last evaluated: 2026-02-04. Review status: criteria provided, single submitter. Criteria: Invitae Variant Classification Sherloc (09022015). Collection method: clinical testing. Allele origin: germline.

Blueprint Genetics
Classification: Likely benign. Last evaluated: 2024-11-27. Review status: criteria provided, single submitter. Criteria: ACMG Guidelines, 2015. Collection method: clinical testing. Allele origin: germline.

Genome-Nilou Lab
Classification: Benign for Primary ciliary dyskinesia 27. Last evaluated: 2021-07-14. Review status: criteria provided, single submitter. Criteria: ACMG Guidelines, 2015. Collection method: clinical testing. Allele origin: germline. Affected: no.

GeneDx
Classification: Benign. Last evaluated: 2018-11-10. Review status: criteria provided, single submitter. Criteria: GeneDx Variant Classification Process June 2021. Collection method: clinical testing. Allele origin: germline. Affected: yes.

Laboratory for Molecular Medicine, Mass General Brigham Personalized Medicine
Classification: Benign. Last evaluated: 2016-03-29. Review status: criteria provided, single submitter. Criteria: LMM Criteria. Collection method: clinical testing. Allele origin: germline.
Comment: Variant identified in a genome or exome case(s) and assessed due to predicted null impact of the variant or pathogenic assertions in the literature or databases. Disclaimer: This variant has not undergone full assessment. The following are preliminary notes: Frequency

Breakthrough Genomics
Classification: Benign. Review status: criteria provided, single submitter. Criteria: ACMG Guidelines, 2015. Collection method: not provided. Allele origin: germline. Inheritance: Autosomal recessive inheritance. Affected: yes.